The following is an entry in ClinVar:

NM_000264.5(PTCH1):c.1286A>G (p.Asp429Gly)

Gene: PTCH1 (patched 1; minus strand). Cytogenetic location: 9q22.32.
Variant type: single nucleotide variant.
Coding change: c.1286A>G on transcript NM_000264.5 (MANE Select); coding-DNA position 1286, A replaced by G.
Protein change: p.Asp429Gly; replaces aspartic acid 429 with glycine.
Molecular consequence: missense variant. On other transcripts: non-coding transcript variant (1).
Genome position (GRCh38, 1-based): chr9:95,478,116, T>C on the plus strand (A>G on the coding strand, the complement: PTCH1 is on the minus strand). VCF-style: chr9-95478116-T-C. GRCh37 (hg19) VCF-style: chr9-98240398-T-C.
Other names: c.1088A>G, p.Asp363Gly (NM_001083602.3); c.1283A>G, p.Asp428Gly (NM_001083603.3); c.833A>G, p.Asp278Gly (NM_001083604.3, NM_001083605.3, NM_001083606.3 and 1 more transcripts); c.1286A>G, p.Asp429Gly (NM_001354918.2); short protein forms D278G, D429G, D363G, D428G.
Identifiers: ClinVar variation 659375 (VCV000659375.9), dbSNP rs1588602719, ClinGen allele CA374118827.

ClinVar aggregate classification (germline): Uncertain significance (1 of 4 stars; one submission).

Conditions:
Gorlin syndrome. Also called: Nevoid Basal Cell Carcinoma Syndrome; Basal cell nevus syndrome. Identifiers: Orphanet 377, MedGen C0004779, MONDO:0007187.

Submission:

Labcorp Genetics (formerly Invitae), Labcorp
Classification: Uncertain significance for Gorlin syndrome. Last evaluated: 2022-02-10. Review status: criteria provided, single submitter. Criteria: Invitae Variant Classification Sherloc (09022015). Collection method: clinical testing. Allele origin: germline.
Comment: This sequence change replaces aspartic acid, which is acidic and polar, with glycine, which is neutral and non-polar, at codon 429 of the PTCH1 protein (p.Asp429Gly). This variant is not present in population databases (gnomAD no frequency). This variant has not been reported in the literature in individuals affected with PTCH1-related conditions. ClinVar contains an entry for this variant (Variation ID: 659375). Advanced modeling of protein sequence and biophysical properties (such as structural, functional, and spatial information, amino acid conservation, physicochemical variation, residue mobility, and thermodynamic stability) performed at Invitae indicates that this missense variant is expected to disrupt PTCH1 protein function. In summary, the available evidence is currently insufficient to determine the role of this variant in disease. Therefore, it has been classified as a Variant of Uncertain Significance.